The following is an entry in ClinVar:

ClinVar aggregate classification (germline): Uncertain significance. Review status: criteria provided, multiple submitters, no conflicts (2 of 4 stars). 2 submissions from 2 submitters: Uncertain significance (2). Last evaluated 2025-11-03.

Conditions:
Inborn genetic diseases. Identifiers: MedGen C0950123, MeSH D030342.
Growth hormone insensitivity with immune dysregulation 1, autosomal recessive. Also called: Laron syndrome with immunodeficiency; GROWTH HORMONE INSENSITIVITY DUE TO POSTRECEPTOR DEFECT; LARON SYNDROME DUE TO POSTRECEPTOR DEFECT; GROWTH HORMONE INSENSITIVITY SYNDROME WITH IMMUNE DYSREGULATION 1, AUTOSOMAL RECESSIVE. Identifiers: Orphanet 220465, MedGen C5435698, MONDO:0100211, OMIM 245590.

Allele frequency attached by ClinVar (database versions not stated): gnomAD 0.00001; ESP Exome Variant Server 0.00008.

Submissions (2):

Labcorp Genetics (formerly Invitae), Labcorp
Classification: Uncertain significance for Growth hormone insensitivity with immune dysregulation 1, autosomal recessive. Last evaluated: 2025-11-03. Review status: criteria provided, single submitter. Criteria: Invitae Variant Classification Sherloc (09022015). Collection method: clinical testing. Allele origin: germline.
Comment: This sequence change replaces proline, which is neutral and non-polar, with leucine, which is neutral and non-polar, at codon 188 of the STAT5B protein (p.Pro188Leu). This variant is present in population databases (rs143092033, gnomAD 0.003%). This variant has not been reported in the literature in individuals affected with STAT5B-related conditions. ClinVar contains an entry for this variant (Variation ID: 1348650). An algorithm developed to predict the effect of missense changes on protein structure and function (PolyPhen-2) suggests that this variant is likely to be tolerated. In summary, the available evidence is currently insufficient to determine the role of this variant in disease. Therefore, it has been classified as a Variant of Uncertain Significance.

Ambry Genetics
Classification: Uncertain significance for Inborn genetic diseases. Last evaluated: 2025-08-14. Review status: criteria provided, single submitter. Criteria: Ambry Variant Classification Scheme 2023. Collection method: clinical testing. Allele origin: germline.

NM_012448.4(STAT5B):c.563C>T (p.Pro188Leu)

Gene: STAT5B (signal transducer and activator of transcription 5B; minus strand). Cytogenetic location: 17q21.2.
Variant type: single nucleotide variant.
Coding change: c.563C>T on transcript NM_012448.4 (MANE Select); coding-DNA position 563, C replaced by T.
Protein change: p.Pro188Leu; replaces proline 188 with leucine.
Molecular consequence: missense variant.
Genome position (GRCh38, 1-based): chr17:42,219,830, G>A on the plus strand (C>T on the coding strand, the complement: STAT5B is on the minus strand). VCF-style: chr17-42219830-G-A. GRCh37 (hg19) VCF-style: chr17-40371848-G-A.
Other names: c.563C>T (NM_012448.3); short protein forms P188L.
Identifiers: ClinVar variation 1348650 (VCV001348650.7), dbSNP rs143092033, ClinGen allele CA8574235.